The following is an entry in ClinVar:

ClinVar aggregate classification (germline): Uncertain significance (1 of 4 stars; one submission).

Conditions:
Inborn genetic diseases. Identifiers: MedGen C0950123, MeSH D030342.

gnomAD v4.1: 1 of 1,614,002 alleles (0.000062%); highest among the groups gnomAD compares: African/African-American, 0.0013%; no homozygotes.

Submission:

Ambry Genetics
Classification: Uncertain significance for Inborn genetic diseases. Last evaluated: 2026-07-09. Review status: criteria provided, single submitter. Criteria: Ambry Variant Classification Scheme 2023. Collection method: clinical testing. Allele origin: germline.
Comment: The p.L1182I variant (also known as c.3544C>A), located in coding exon 14 of the FANCM gene, results from a C to A substitution at nucleotide position 3544. The leucine at codon 1182 is replaced by isoleucine, an amino acid with highly similar properties. This amino acid position is conserved. In addition, this alteration is predicted to be tolerated by in silico analysis. Based on the available evidence, the clinical significance of this variant remains unclear.

NM_020937.4(FANCM):c.3544C>A (p.Leu1182Ile)

Gene: FANCM (FA complementation group M; plus strand). Cytogenetic location: 14q21.2.
Variant type: single nucleotide variant.
Coding change: c.3544C>A on transcript NM_020937.4 (MANE Select); coding-DNA position 3544, C replaced by A.
Protein change: p.Leu1182Ile; replaces leucine 1182 with isoleucine.
Molecular consequence: missense variant.
Genome position (GRCh38, 1-based): chr14:45,176,298, C>A. VCF-style: chr14-45176298-C-A. GRCh37 (hg19) VCF-style: chr14-45645501-C-A.
Other names: c.3466C>A, p.Leu1156Ile (NM_001308133.2); short protein forms L1182I, L1156I.
Identifiers: ClinVar variation 5036603 (VCV005036603.1).
Genomic context (GRCh38, chr14:45,176,298, plus strand): 5'-TCAGACAAAACTGCTATTAGTGAAACGCCTCTGGTCTCTCAGTTCTTAATTTCTGATGAA[C>A]TTTTGTTGGACAATAATTCTGAACTCCAAGATCAAATCACCCGTGATGCTAATAGTTTTA-3'
Protein context (NP_065988.1, residues 1172-1192): LVSQFLISDE[Leu1182Ile]LLDNNSELQD